The following is an entry in ClinVar:

NM_004656.4(BAP1):c.1106C>A (p.Ser369Tyr)

Gene: BAP1 (BRCA1 associated deubiquitinase 1; minus strand). Cytogenetic location: 3p21.1.
Variant type: single nucleotide variant.
Coding change: c.1106C>A on transcript NM_004656.4 (MANE Select); coding-DNA position 1106, C replaced by A.
Protein change: p.Ser369Tyr; replaces serine 369 with tyrosine.
Molecular consequence: missense variant.
Genome position (GRCh38, 1-based): chr3:52,405,120, G>T on the plus strand (C>A on the coding strand, the complement: BAP1 is on the minus strand). VCF-style: chr3-52405120-G-T. GRCh37 (hg19) VCF-style: chr3-52439136-G-T.
Other names: short protein forms S369Y.
Identifiers: ClinVar variation 1439464 (VCV001439464.11), dbSNP rs2153226993, ClinGen allele CA353105137.
Genomic context (GRCh38, chr3:52,405,120, plus strand): 5'-CCTCTCAAGAGAATCAAGTAGAGAATCCTGCAAGGGTGCTCCCAGCTTACCTGCATGGGG[G>T]ACTTGGCATAATTGTGATTGTCTAGAAAGGCCGGCAGCCGCTGGACAATGGGAGTGGGGT-3'
Protein context (NP_004647.1, residues 359-379): AFLDNHNYAK[Ser369Tyr]PMQEEEDLAA

ClinVar aggregate classification (germline): Conflicting classifications of pathogenicity. Review status: criteria provided, conflicting classifications (1 of 4 stars). 2 submissions from 2 submitters: Uncertain significance (1); Likely benign (1). Last evaluated 2025-01-04.

Conditions:
Hereditary cancer-predisposing syndrome. Also called: Neoplastic Syndromes, Hereditary; Hereditary Cancer Syndrome; Hereditary neoplastic syndrome; Tumor predisposition. Identifiers: Orphanet 140162, MedGen C0027672, MeSH D009386, MONDO:0015356.
BAP1-related tumor predisposition syndrome (TPDS1). Also called: COMMON Syndrome; TUMOR PREDISPOSITION SYNDROME 1; Tumor susceptibility linked to germline BAP1 mutations; BAP1 tumor predisposition syndrome. Identifiers: Orphanet 289539, MedGen C3280492, MONDO:0013692, OMIM 614327.

gnomAD v4.1: 1 of 1,614,154 alleles (0.000062%); highest among the groups gnomAD compares: Non-Finnish European, 0.000085%; no homozygotes.

Submissions (2):

Ambry Genetics
Classification: Likely benign for Hereditary cancer-predisposing syndrome. Last evaluated: 2025-01-04. Review status: criteria provided, single submitter. Criteria: Ambry Variant Classification Scheme 2023. Collection method: clinical testing. Allele origin: germline.

Labcorp Genetics (formerly Invitae), Labcorp
Classification: Uncertain significance for BAP1-related tumor predisposition syndrome. Last evaluated: 2024-07-14. Review status: criteria provided, single submitter. Criteria: Invitae Variant Classification Sherloc (09022015). Collection method: clinical testing. Allele origin: germline.
Comment: This sequence change replaces serine, which is neutral and polar, with tyrosine, which is neutral and polar, at codon 369 of the BAP1 protein (p.Ser369Tyr). This variant is not present in population databases (gnomAD no frequency). This variant has not been reported in the literature in individuals affected with BAP1-related conditions. ClinVar contains an entry for this variant (Variation ID: 1439464). Advanced modeling of protein sequence and biophysical properties (such as structural, functional, and spatial information, amino acid conservation, physicochemical variation, residue mobility, and thermodynamic stability) performed at Invitae indicates that this missense variant is expected to disrupt BAP1 protein function with a positive predictive value of 80%. In summary, the available evidence is currently insufficient to determine the role of this variant in disease. Therefore, it has been classified as a Variant of Uncertain Significance.

Literature cited by the submitters: PubMed 38969833 (cited by Ambry Genetics).